The following is an entry in ClinVar:

NM_000397.4(CYBB):c.384T>A (p.Asn128Lys)

Gene: CYBB (cytochrome b-245 beta chain; plus strand). Cytogenetic location: Xp21.1.
Variant type: single nucleotide variant.
Coding change: c.384T>A on transcript NM_000397.4 (MANE Select); coding-DNA position 384, T replaced by A.
Protein change: p.Asn128Lys; replaces asparagine 128 with lysine.
Molecular consequence: missense variant.
Genome position (GRCh38, 1-based): chrX:37,793,711, T>A. VCF-style: chrX-37793711-T-A. GRCh37 (hg19) VCF-style: chrX-37652964-T-A.
Other names: short protein forms N128K.
Identifiers: ClinVar variation 3627540 (VCV003627540.3).

ClinVar aggregate classification (germline): Uncertain significance. Review status: criteria provided, multiple submitters, no conflicts (2 of 4 stars). 2 submissions from 2 submitters: Uncertain significance (2). Last evaluated 2025-08-21.

Conditions:
Inborn genetic diseases. Identifiers: MedGen C0950123, MeSH D030342.
Granulomatous disease, chronic, X-linked. Also called: GRANULOMATOUS DISEASE, CHRONIC, X-LINKED, SOMATIC MOSAIC; CYTOCHROME b-NEGATIVE GRANULOMATOUS DISEASE, CHRONIC, X-LINKED. Identifiers: Orphanet 379, MedGen C1844376, MONDO:0010600, OMIM 306400.

gnomAD v4.1: 7 of 1,207,892 alleles (0.00058%); highest among the groups gnomAD compares: Non-Finnish European, 0.00078%; no homozygotes.

Submissions (2):

Ambry Genetics
Classification: Uncertain significance for Inborn genetic diseases. Last evaluated: 2025-08-21. Review status: criteria provided, single submitter. Criteria: Ambry Variant Classification Scheme 2023. Collection method: clinical testing. Allele origin: germline.

Labcorp Genetics (formerly Invitae), Labcorp
Classification: Uncertain significance for Granulomatous disease, chronic, X-linked. Last evaluated: 2024-09-04. Review status: criteria provided, single submitter. Criteria: Invitae Variant Classification Sherloc (09022015). Collection method: clinical testing. Allele origin: germline.
Comment: This sequence change replaces asparagine, which is neutral and polar, with lysine, which is basic and polar, at codon 128 of the CYBB protein (p.Asn128Lys). This variant is not present in population databases (gnomAD no frequency). This variant has not been reported in the literature in individuals affected with CYBB-related conditions. Invitae Evidence Modeling of protein sequence and biophysical properties (such as structural, functional, and spatial information, amino acid conservation, physicochemical variation, residue mobility, and thermodynamic stability) indicates that this missense variant is not expected to disrupt CYBB protein function with a negative predictive value of 95%. In summary, the available evidence is currently insufficient to determine the role of this variant in disease. Therefore, it has been classified as a Variant of Uncertain Significance.